The following is an entry in ClinVar:

NM_001706.5(BCL6):c.627C>T (p.Ser209=)

Genes: BCL6 (BCL6 transcription repressor; minus strand), LOC100131635 (hCG1645011-like; plus strand). Cytogenetic location: 3q27.3.
Variant type: single nucleotide variant.
Coding change: c.627C>T on transcript NM_001706.5 (MANE Select); coding-DNA position 627, C replaced by T.
Protein change: p.Ser209=; no amino-acid change (serine 209 retained).
Molecular consequence: synonymous variant.
Genome position (GRCh38, 1-based): chr3:187,729,778, G>A on the plus strand (C>T on the coding strand, the complement: BCL6 is on the minus strand). VCF-style: chr3-187729778-G-A. GRCh37 (hg19) VCF-style: chr3-187447566-G-A.
Other names: c.627C>T, p.Ser209= (NM_001130845.2, NM_001134738.2).
Identifiers: ClinVar variation 717149 (VCV000717149.26), dbSNP rs33922911, ClinGen allele CA2750799.

ClinVar aggregate classification (germline): Benign. Review status: criteria provided, multiple submitters, no conflicts (2 of 4 stars). 3 submissions from 3 submitters: Benign (3). Last evaluated 2024-02-01.

Allele frequency attached by ClinVar (database versions not stated): ESP Exome Variant Server 0.00384; TOPMed 0.00416; 1000 Genomes Project 0.00419; 1000 Genomes Project 30x 0.00468; gnomAD exomes 0.00041 and 0.00100; ExAC 0.00135; gnomAD 0.00334 and 0.00350.
gnomAD v4.1: 1,141 of 1,614,166 alleles (0.071%); highest among the groups gnomAD compares: African/African-American, 1.2%; 11 homozygotes.

Submissions (3):

CeGaT Center for Human Genetics Tuebingen
Classification: Benign. Last evaluated: 2024-02-01. Review status: criteria provided, single submitter. Criteria: CeGaT Center For Human Genetics Tuebingen Variant Classification Criteria Version 2. Collection method: clinical testing. Allele origin: germline. Affected: yes. Observed: 1 variant allele.
Comment: BCL6: BP4, BP7, BS1, BS2

Labcorp Genetics (formerly Invitae), Labcorp
Classification: Benign. Last evaluated: 2018-01-22. Review status: criteria provided, single submitter. Criteria: Invitae Variant Classification Sherloc (09022015). Collection method: clinical testing. Allele origin: germline.

Breakthrough Genomics
Classification: Benign. Review status: criteria provided, single submitter. Criteria: ACMG Guidelines, 2015. Collection method: not provided. Allele origin: germline. Inheritance: Unknown mechanism. Affected: yes.